The following is an entry in ClinVar:

NM_024570.4(RNASEH2B):c.616+5del

Gene: RNASEH2B (ribonuclease H2 subunit B; plus strand). Cytogenetic location: 13q14.3.
Variant type: Deletion.
Coding change: c.616+5del on transcript NM_024570.4 (MANE Select); 5 bases into the intron after coding-DNA position 616, one base deleted (G; older notation c.616+5delG).
Molecular consequence: intron variant.
Genome position (GRCh38, 1-based): chr13:50,945,537, G deleted. VCF-style (leftmost placement, unchanged base first): chr13-50945536-AG-A. GRCh37 (hg19) VCF-style: chr13-51519672-AG-A.
Other names: c.616+5del (NM_001142279.2); c.616+5delG (NM_024570.4).
Identifiers: ClinVar variation 1008663 (VCV001008663.6), dbSNP rs1951890362, ClinGen allele CA955970443.

ClinVar aggregate classification (germline): Uncertain significance. Review status: criteria provided, multiple submitters, no conflicts (2 of 4 stars). 2 submissions from 2 submitters: Uncertain significance (2). Last evaluated 2025-07-08.

Conditions:
Aicardi-Goutieres syndrome 2. Identifiers: Orphanet 51, MedGen C3489724, MONDO:0012429, OMIM 610181.

Allele frequency attached by ClinVar (database versions not stated): gnomAD exomes below 0.00001; gnomAD 0.00001; TOPMed 0.00005.

Submissions (2):

Labcorp Genetics (formerly Invitae), Labcorp
Classification: Uncertain significance for Aicardi-Goutieres syndrome 2. Last evaluated: 2025-07-08. Review status: criteria provided, single submitter. Criteria: Invitae Variant Classification Sherloc (09022015). Collection method: clinical testing. Allele origin: germline.
Comment: This sequence change falls in intron 7 of the RNASEH2B gene. It does not directly change the encoded amino acid sequence of the RNASEH2B protein. It affects a nucleotide within the consensus splice site. This variant is not present in population databases (gnomAD no frequency). This variant has not been reported in the literature in individuals affected with RNASEH2B-related conditions. ClinVar contains an entry for this variant (Variation ID: 1008663). Variants that disrupt the consensus splice site are a relatively common cause of aberrant splicing (PMID: 17576681, 9536098). Algorithms developed to predict the effect of sequence changes on RNA splicing suggest that this variant may disrupt the consensus splice site. In summary, the available evidence is currently insufficient to determine the role of this variant in disease. Therefore, it has been classified as a Variant of Uncertain Significance.

Women's Health and Genetics/Laboratory Corporation of America, LabCorp
Classification: Uncertain significance. Last evaluated: 2024-08-09. Review status: criteria provided, single submitter. Criteria: LabCorp Variant Classification Summary - May 2015. Collection method: clinical testing. Allele origin: germline.

Literature cited by the submitters: PubMed 17576681 (cited by Labcorp Genetics (formerly Invitae), Labcorp); PubMed 9536098 (cited by Labcorp Genetics (formerly Invitae), Labcorp).